The following is an entry in ClinVar:

ClinVar aggregate classification (germline): Pathogenic (1 of 4 stars; one submission).

Submission:

Labcorp Genetics (formerly Invitae), Labcorp
Classification: Pathogenic. Last evaluated: 2024-10-03. Review status: criteria provided, single submitter. Criteria: Invitae Variant Classification Sherloc (09022015). Collection method: clinical testing. Allele origin: germline.
Comment: This sequence change creates a premature translational stop signal (p.Cys49*) in the CAPN1 gene. It is expected to result in an absent or disrupted protein product. Loss-of-function variants in CAPN1 are known to be pathogenic (PMID: 27153400, 27320912). This variant is not present in population databases (gnomAD no frequency). This variant has not been reported in the literature in individuals affected with CAPN1-related conditions. For these reasons, this variant has been classified as Pathogenic.

Literature cited by the submitters: PubMed 27153400; PubMed 27320912.

NM_005186.4(CAPN1):c.147C>A (p.Cys49Ter)

Gene: CAPN1 (calpain 1; plus strand). Cytogenetic location: 11q13.1.
Variant type: single nucleotide variant.
Coding change: c.147C>A on transcript NM_005186.4 (MANE Select); coding-DNA position 147, C replaced by A.
Protein change: p.Cys49Ter; replaces cysteine 49 with a stop codon.
Molecular consequence: nonsense. On other transcripts: non-coding transcript variant (1).
Genome position (GRCh38, 1-based): chr11:65,182,848, C>A. VCF-style: chr11-65182848-C-A. GRCh37 (hg19) VCF-style: chr11-64950319-C-A.
Other names: c.147C>A, p.Cys49Ter (NM_001198868.2, NM_001198869.2); short protein forms C49*.
Identifiers: ClinVar variation 3722173 (VCV003722173.2).